The following is an entry in ClinVar:

ClinVar aggregate classification (germline): Uncertain significance (1 of 4 stars; one submission).

Submission:

CeGaT Center for Human Genetics Tuebingen
Classification: Uncertain significance. Last evaluated: 2022-10-01. Review status: criteria provided, single submitter. Criteria: CeGaT Center For Human Genetics Tuebingen Variant Classification Criteria Version 2. Collection method: clinical testing. Allele origin: germline. Affected: yes. Observed: 1 variant allele.
Comment: CTBP1: PM2, PP2

NM_001012614.2(CTBP1):c.131A>G (p.Asp44Gly)

Gene: CTBP1 (C-terminal binding protein 1; minus strand). Cytogenetic location: 4p16.3.
Variant type: single nucleotide variant.
Coding change: c.131A>G on transcript NM_001012614.2 (MANE Select); coding-DNA position 131, A replaced by G.
Protein change: p.Asp44Gly; replaces aspartic acid 44 with glycine.
Molecular consequence: missense variant.
Genome position (GRCh38, 1-based): chr4:1,238,214, T>C on the plus strand (A>G on the coding strand, the complement: CTBP1 is on the minus strand). VCF-style: chr4-1238214-T-C. GRCh37 (hg19) VCF-style: chr4-1232002-T-C.
Other names: c.131A>G, p.Asp44Gly (NM_001377191.1, NM_001377192.1, NM_001377193.1 and 4 more transcripts); c.164A>G, p.Asp55Gly (NM_001328.3, NM_001377186.1); short protein forms D44G, D55G.
Identifiers: ClinVar variation 2654559 (VCV002654559.24), dbSNP rs2535199560, ClinGen allele CA355960769.
Genomic context (GRCh38, chr4:1,238,214, plus strand): 5'-GCCAGCCCCAGGCGACCACGTGGTGGTACCTTCTCATGGATCTCCTGCGTGGACTGCGCG[T>C]CGCAGAAGGCCACAGTGGCCACGTCCTTCAGGATGGGCATCTCCACTGTGCAGTCCCGGC-3'
Protein context (NP_001012632.1, residues 34-54): LKDVATVAFC[Asp44Gly]AQSTQEIHEK